The following is an entry in ClinVar:

ClinVar aggregate classification (germline): Uncertain significance (1 of 4 stars; one submission).

Conditions:
Hereditary cancer-predisposing syndrome. Also called: Tumor predisposition; Hereditary Cancer Syndrome; Hereditary neoplastic syndrome; Neoplastic Syndromes, Hereditary. Identifiers: Orphanet 140162, MedGen C0027672, MeSH D009386, MONDO:0015356.

Allele frequency attached by ClinVar (database versions not stated): TOPMed below 0.00001; gnomAD 0.00001.
gnomAD v4.1: 1 of 1,613,706 alleles (0.000062%); highest among the groups gnomAD compares: Non-Finnish European, 0.000085%; no homozygotes.

Submission:

Ambry Genetics
Classification: Uncertain significance for Hereditary cancer-predisposing syndrome. Last evaluated: 2016-10-31. Review status: criteria provided, single submitter. Criteria: Ambry Variant Classification Scheme 2023. Collection method: clinical testing. Allele origin: germline.
Comment: The p.D291G variant (also known as c.872A>G) is located in coding exon 6 of the FLCN gene. The aspartic acid at codon 291 is replaced by glycine, an amino acid with similar properties. This change occurs in the first base pair of coding exon 6. This variant was not reported in population based cohorts in the following databases: Database of Single Nucleotide Polymorphisms (dbSNP), NHLBI Exome Sequencing Project (ESP), and 1000 Genomes Project. In the ESP, this variant was not observed in 6503 samples (13006 alleles) with coverage at this position. To date, this alteration has been detected with an allele frequency of approximately 0.006% (greater than 20000 alleles tested) in our clinical cohort. This amino acid position is highly conserved in available vertebrate species. In addition, the in silico prediction for this alteration is inconclusive. Since supporting evidence is limited at this time, the clinical significance of this alteration remains unclear.

NM_144997.7(FLCN):c.872A>G (p.Asp291Gly)

Gene: FLCN (folliculin; minus strand). Cytogenetic location: 17p11.2.
Variant type: single nucleotide variant.
Coding change: c.872A>G on transcript NM_144997.7 (MANE Select); coding-DNA position 872, A replaced by G.
Protein change: p.Asp291Gly; replaces aspartic acid 291 with glycine.
Molecular consequence: missense variant.
Genome position (GRCh38, 1-based): chr17:17,219,209, T>C on the plus strand (A>G on the coding strand, the complement: FLCN is on the minus strand). VCF-style: chr17-17219209-T-C. GRCh37 (hg19) VCF-style: chr17-17122523-T-C.
Other names: c.872A>G (LRG_325t1); c.926A>G, p.Asp309Gly (NM_001353229.2); c.872A>G, p.Asp291Gly (NM_001353230.2, NM_001353231.2); short protein forms D291G, D309G.
Identifiers: ClinVar variation 485619 (VCV000485619.5), dbSNP rs1201672985, ClinGen allele CA398533119.